The following is an entry in ClinVar:

NM_000444.6(PHEX):c.1701-2A>G

Genes: PTCHD1-AS (PTCHD1 antisense RNA (head to head); minus strand), PHEX (phosphate regulating endopeptidase X-linked; plus strand). Cytogenetic location: Xp22.11.
Variant type: single nucleotide variant.
Coding change: c.1701-2A>G on transcript NM_000444.6 (MANE Select); the canonical splice acceptor site of the intron before coding-DNA position 1701, A replaced by G.
Molecular consequence: splice acceptor variant.
Genome position (GRCh38, 1-based): chrX:22,219,034, A>G. VCF-style: chrX-22219034-A-G. GRCh37 (hg19) VCF-style: chrX-22237151-A-G.
Other names: c.1701-2A>G (NM_001282754.2).
Identifiers: ClinVar variation 280489 (VCV000280489.2), dbSNP rs886041683, ClinGen allele CA10603452.

ClinVar aggregate classification (germline): Pathogenic (1 of 4 stars; one submission).

Submission:

GeneDx
Classification: Pathogenic. Last evaluated: 2016-05-31. Review status: criteria provided, single submitter. Criteria: GeneDx Variant Classification (06012015). Collection method: clinical testing. Allele origin: germline. Affected: yes.
Comment: The c.1701-2 A>G splice site variant in the PHEX gene destroys the canonical splice acceptor site in intron 16. It is predicted to cause abnormal gene splicing, either leading to an abnormal message that is subject to nonsense-mediated mRNA decay, or to an abnormal protein product if the message is used for protein translation. In addition, the c.1701-2 A>G variant was not observed in approximately 6,500 individuals of European and African American ancestry in the NHLBI Exome Sequencing Project, indicating it is not a common benign variant in these populations.